The following is an entry in ClinVar:

ClinVar aggregate classification (germline): Uncertain significance (1 of 4 stars; one submission).

Conditions:
Cardiovascular phenotype. Identifiers: MedGen CN230736.

Submission:

Ambry Genetics
Classification: Uncertain significance for Cardiovascular phenotype. Last evaluated: 2026-09-11. Review status: criteria provided, single submitter. Criteria: Ambry Variant Classification Scheme 2023. Collection method: clinical testing. Allele origin: germline.
Comment: The p.T1019N variant (also known as c.3056C>A), located in coding exon 20 of the APOB gene, results from a C to A substitution at nucleotide position 3056. The threonine at codon 1019 is replaced by asparagine, an amino acid with similar properties. This amino acid position is conserved. In addition, this alteration is predicted to be tolerated by in silico analysis. Based on the available evidence, the clinical significance of this variant remains unclear.

NM_000384.3(APOB):c.3056C>A (p.Thr1019Asn)

Gene: APOB (apolipoprotein B; minus strand). Cytogenetic location: 2p24.1.
Variant type: single nucleotide variant.
Coding change: c.3056C>A on transcript NM_000384.3 (MANE Select); coding-DNA position 3056, C replaced by A.
Protein change: p.Thr1019Asn; replaces threonine 1019 with asparagine.
Molecular consequence: missense variant.
Genome position (GRCh38, 1-based): chr2:21,019,057, G>T on the plus strand (C>A on the coding strand, the complement: APOB is on the minus strand). VCF-style: chr2-21019057-G-T. GRCh37 (hg19) VCF-style: chr2-21241929-G-T.
Other names: short protein forms T1019N.
Identifiers: ClinVar variation 3933840 (VCV003933840.2).